The following is an entry in ClinVar:

NM_001999.4(FBN2):c.8513A>G (p.Gln2838Arg)

Gene: FBN2 (fibrillin 2; minus strand). Cytogenetic location: 5q23.3.
Variant type: single nucleotide variant.
Coding change: c.8513A>G on transcript NM_001999.4 (MANE Select); coding-DNA position 8513, A replaced by G.
Protein change: p.Gln2838Arg; replaces glutamine 2838 with arginine.
Molecular consequence: missense variant.
Genome position (GRCh38, 1-based): chr5:128,259,681, T>C on the plus strand (A>G on the coding strand, the complement: FBN2 is on the minus strand). VCF-style: chr5-128259681-T-C. GRCh37 (hg19) VCF-style: chr5-127595373-T-C.
Other names: short protein forms Q2838R.
Identifiers: ClinVar variation 263810 (VCV000263810.10), dbSNP rs772928933, ClinGen allele CA3393796.

ClinVar aggregate classification (germline): Conflicting classifications of pathogenicity. Review status: criteria provided, conflicting classifications (1 of 4 stars). 3 submissions from 3 submitters: Uncertain significance (1); Likely benign (2). Last evaluated 2026-07-23.

Conditions:
Familial thoracic aortic aneurysm and aortic dissection (TAAD). Also called: Thoracic aortic aneurysms and dissections. Identifiers: Orphanet 91387, MedGen C4707243, MONDO:0019625.
Congenital contractural arachnodactyly (CCA). Also called: Beals-Hecht syndrome; BEALS SYNDROME; Arthrogryposis, distal, type 9. Identifiers: Orphanet 115, MedGen C0220668, MONDO:0007363, OMIM 121050.

Allele frequency attached by ClinVar (database versions not stated): gnomAD exomes 0.00001; ExAC 0.00002.
gnomAD v4.1: 11 of 1,613,966 alleles (0.00068%); highest among the groups gnomAD compares: Non-Finnish European, 0.00076%; no homozygotes.

Submissions (3):

Ambry Genetics
Classification: Likely benign for Familial thoracic aortic aneurysm and aortic dissection. Last evaluated: 2026-07-23. Review status: criteria provided, single submitter. Criteria: Ambry Variant Classification Scheme 2023. Collection method: clinical testing. Allele origin: germline.

Labcorp Genetics (formerly Invitae), Labcorp
Classification: Likely benign for Congenital contractural arachnodactyly. Last evaluated: 2025-02-02. Review status: criteria provided, single submitter. Criteria: Invitae Variant Classification Sherloc (09022015). Collection method: clinical testing. Allele origin: germline.

Women's Health and Genetics/Laboratory Corporation of America, LabCorp
Classification: Uncertain significance. Last evaluated: 2024-05-03. Review status: criteria provided, single submitter. Criteria: LabCorp Variant Classification Summary - May 2015. Collection method: clinical testing. Allele origin: germline.
Comment: Variant summary: FBN2 c.8513A>G (p.Gln2838Arg) results in a conservative amino acid change in the encoded protein sequence. Five of five in-silico tools predict a benign effect of the variant on protein function. The variant allele was found at a frequency of 8e-06 in 251264 control chromosomes. The available data on variant occurrences in the general population are insufficient to allow any conclusion about variant significance. To our knowledge, no occurrence of c.8513A>G in individuals affected with Aortopathy and no experimental evidence demonstrating its impact on protein function have been reported. ClinVar contains an entry for this variant (Variation ID: 263810). Based on the evidence outlined above, the variant was classified as uncertain significance.